The following is an entry in ClinVar:

NM_000517.6(HBA2):c.190G>A (p.Ala64Thr)

Genes: HBA2 (hemoglobin subunit alpha 2; plus strand), LOC106804612 (hemoglobin subunit alpha 2 recombination region; plus strand). Cytogenetic location: 16p13.3.
Variant type: single nucleotide variant.
Coding change: c.190G>A on transcript NM_000517.6 (MANE Select); coding-DNA position 190, G replaced by A.
Protein change: p.Ala64Thr; replaces alanine 64 with threonine.
Molecular consequence: missense variant.
Genome position (GRCh38, 1-based): chr16:173,219, G>A. VCF-style: chr16-173219-G-A. GRCh37 (hg19) VCF-style: chr16-223218-G-A.
Other names: short protein forms A64T.
Identifiers: ClinVar variation 4280313 (VCV004280313.1).

ClinVar aggregate classification (germline): Uncertain significance (0 of 4 stars; one submission).

Conditions:
alpha Thalassemia. Also called: Alpha thalassemia spectrum. Identifiers: Orphanet 846, MedGen C0002312, MONDO:0011399, OMIM 604131.

Submission:

Precision Medicine Lab Center, Yangjiang People's Hospital
Classification: Uncertain significance for alpha Thalassemia. Last evaluated: 2023-12-07. Review status: no assertion criteria provided. Collection method: clinical testing. Allele origin: germline. Affected: yes.
Comment: HBA2:c.190G>A is a missense mutation in the α2-globin gene where a G to A substitution at nucleotide position 190 results in an alanine-to-threonine amino acid change (p.Ala64Thr). This variant has not been documented in current databases.